The following is an entry in ClinVar:

ClinVar aggregate classification (germline): Conflicting classifications of pathogenicity. Review status: criteria provided, conflicting classifications (1 of 4 stars). 2 submissions from 2 submitters: Pathogenic (1); Uncertain significance (1). Last evaluated 2024-03-30.

Conditions:
Muscular dystrophy-dystroglycanopathy (congenital with brain and eye anomalies), type A2. Also called: MUSCULAR DYSTROPHY-DYSTROGLYCANOPATHY (CONGENITAL WITH BRAIN AND EYE ANOMALIES), TYPE A, 2; WALKER-WARBURG SYNDROME OR MUSCLE-EYE-BRAIN DISEASE, POMT2-RELATED. Identifiers: Orphanet 588, Orphanet 899, MedGen C3150411, MONDO:0013154, OMIM 613150.
Muscular dystrophy-dystroglycanopathy (congenital with impaired intellectual development), type B, 2. Also called: Muscular dystrophy-dystroglycanopathy (congenital with intellectual disability), type B2; MUSCULAR DYSTROPHY, CONGENITAL, POMT2-RELATED. Identifiers: MedGen C3150416, MONDO:0013160, OMIM 613156.
Autosomal recessive limb-girdle muscular dystrophy type 2N. Also called: Muscular dystrophy-dystroglycanopathy (limb-girdle), type C, 2; MUSCULAR DYSTROPHY-DYSTROGLYCANOPATHY, LIMB-GIRDLE, POMT2-RELATED. Identifiers: Orphanet 206559, MedGen C3150418, MONDO:0013162, OMIM 613158.

Submissions (2):

Labcorp Genetics (formerly Invitae), Labcorp
Classification: Pathogenic for Muscular dystrophy-dystroglycanopathy (congenital with impaired intellectual development), type B, 2; Muscular dystrophy-dystroglycanopathy (congenital with brain and eye anomalies), type A2; Autosomal recessive limb-girdle muscular dystrophy type 2N. Last evaluated: 2024-03-30. Review status: criteria provided, single submitter. Criteria: Invitae Variant Classification Sherloc (09022015). Collection method: clinical testing. Allele origin: germline.
Comment: This sequence change creates a premature translational stop signal (p.Gln733Argfs*10) in the POMT2 gene. While this is not anticipated to result in nonsense mediated decay, it is expected to disrupt the last 18 amino acid(s) of the POMT2 protein. This variant is present in population databases (no rsID available, gnomAD 0.0009%). This variant has not been reported in the literature in individuals affected with POMT2-related conditions. ClinVar contains an entry for this variant (Variation ID: 497508). This variant disrupts a region of the POMT2 protein in which other variant(s) (p.Trp748Arg) have been determined to be pathogenic (PMID: 17634419, 17869517; Invitae). This suggests that this is a clinically significant region of the protein, and that variants that disrupt it are likely to be disease-causing. For these reasons, this variant has been classified as Pathogenic.

Eurofins Ntd Llc (ga)
Classification: Uncertain significance. Last evaluated: 2017-01-10. Review status: criteria provided, single submitter. Criteria: EGL Classification Definitions 2015. Collection method: clinical testing. Allele origin: germline. Observed: 1 variant allele, 1 heterozygote.

Literature cited by the submitters: PubMed 17634419 (cited by Labcorp Genetics (formerly Invitae), Labcorp); PubMed 17869517 (cited by Labcorp Genetics (formerly Invitae), Labcorp).

NM_013382.7(POMT2):c.2197del (p.Gln733fs)

Gene: POMT2 (protein O-mannosyltransferase 2; minus strand). Cytogenetic location: 14q24.3.
Variant type: Deletion.
Coding change: c.2197del on transcript NM_013382.7 (MANE Select); coding-DNA position 2197, one base deleted (C; older notation c.2197delC).
Protein change: p.Gln733fs; shifts the reading frame from glutamine 733.
Molecular consequence: frameshift variant.
Genome position (GRCh38, 1-based): chr14:77,277,432, G deleted on the plus strand (C on the coding strand, the reverse complement: POMT2 is on the minus strand); the first of 3 consecutive G bases (chr14:77,277,432-77,277,434); deleting any one gives the same sequence. VCF-style (leftmost placement, unchanged base first): chr14-77277431-TG-T. GRCh37 (hg19) VCF-style: chr14-77743774-TG-T.
Other names: short protein forms Q733fs.
Identifiers: ClinVar variation 497508 (VCV000497508.8), dbSNP rs1292248431, ClinGen allele CA615199137.